The following is an entry in ClinVar:

NM_201253.3(CRB1):c.1974_1990del (p.Ser659fs)

Gene: CRB1 (crumbs cell polarity complex component 1; plus strand). Cytogenetic location: 1q31.3.
Variant type: Deletion.
Coding change: c.1974_1990del on transcript NM_201253.3 (MANE Select); coding-DNA positions 1974 to 1990, 17 bases deleted (CTCGTCTGGCTCATCAT).
Protein change: p.Ser659fs; shifts the reading frame from serine 659.
Molecular consequence: frameshift variant. On other transcripts: non-coding transcript variant (2).
Genome position (GRCh38, 1-based): chr1:197,421,802-197,421,818, CTCGTCTGGCTCATCAT deleted; deleting any 17 consecutive bases within chr1:197,421,799-197,421,818 gives the same sequence; the c. name uses the placement nearest the transcript's 3' end. VCF-style (leftmost placement, unchanged base first): chr1-197421798-ACATCTCGTCTGGCTCAT-A. GRCh37 (hg19) VCF-style: chr1-197390928-ACATCTCGTCTGGCTCAT-A.
Other names: c.1638_1654del, p.Ser547fs (NM_001193640.2); c.1767_1783del, p.Ser590fs (NM_001257965.2); c.1974_1990del, p.Ser659fs (NM_001257966.2); short protein forms S547fs, S590fs, S659fs.
Identifiers: ClinVar variation 1069427 (VCV001069427.7), dbSNP rs2125471663, ClinGen allele CA2499214385.
Genomic context (GRCh38, chr1:197,421,798, plus strand): 5'-CTTCGTTTGTAGGCTGTCTCCAAGACATTAAAATTGATTGGAATCACATTACCCTGGAGA[ACATCTCGTCTGGCTCAT>A]CATTAAATGTCAAGGCAGGCTGTGTGAGAAAGGATTGGTGTGAAAGCCAACCTTGTCAAA-3'

ClinVar aggregate classification (germline): Pathogenic (1 of 4 stars; one submission).

Conditions:
Retinitis pigmentosa 12 (RP12). Also called: RP WITH OR WITHOUT PPRPE; RP WITH OR WITHOUT PRESERVED PARAARTERIOLE RETINAL PIGMENT EPITHELIUM; RETINITIS PIGMENTOSA WITH OR WITHOUT PARAARTERIOLAR PRESERVATION OF RETINAL PIGMENT EPITHELIUM. Identifiers: Orphanet 791, MedGen C1838647, MONDO:0010818, OMIM 600105.
Leber congenital amaurosis 8 (LCA8). Identifiers: Orphanet 65, MedGen C3151202, MONDO:0013453, OMIM 613835.

Submission:

Labcorp Genetics (formerly Invitae), Labcorp
Classification: Pathogenic for Leber congenital amaurosis 8; Retinitis pigmentosa 12. Last evaluated: 2021-01-12. Review status: criteria provided, single submitter. Criteria: Invitae Variant Classification Sherloc (09022015). Collection method: clinical testing. Allele origin: germline.
Comment: This variant is not present in population databases (ExAC no frequency). For these reasons, this variant has been classified as Pathogenic. Loss-of-function variants in CRB1 are known to be pathogenic (PMID: 10508521, 22065545, 23379534, 25412400, 26957898, 28041643, 29391521). This variant has not been reported in the literature in individuals with CRB1-related conditions. This sequence change creates a premature translational stop signal (p.Ser659Lysfs*13) in the CRB1 gene. It is expected to result in an absent or disrupted protein product.

Literature cited by the submitters: PubMed 10508521; PubMed 22065545; PubMed 23379534; PubMed 25412400; PubMed 26957898; PubMed 28041643; PubMed 29391521.